The following is an entry in ClinVar:

NM_004963.4(GUCY2C):c.637G>A (p.Val213Ile)

Genes: GUCY2C (guanylate cyclase 2C; minus strand), GUCY2C-AS1 (GUCY2C antisense RNA 1; plus strand). Cytogenetic location: 12p12.3.
Variant type: single nucleotide variant.
Coding change: c.637G>A on transcript NM_004963.4 (MANE Select); coding-DNA position 637, G replaced by A.
Protein change: p.Val213Ile; replaces valine 213 with isoleucine.
Molecular consequence: missense variant.
Genome position (GRCh38, 1-based): chr12:14,681,452, C>T on the plus strand (G>A on the coding strand, the complement: GUCY2C is on the minus strand). VCF-style: chr12-14681452-C-T. GRCh37 (hg19) VCF-style: chr12-14834386-C-T.
Other names: c.637G>A (NM_004963.3); short protein forms V213I.
Identifiers: ClinVar variation 1967622 (VCV001967622.7), dbSNP rs768250094, ClinGen allele CA6463695.

ClinVar aggregate classification (germline): Uncertain significance. Review status: criteria provided, multiple submitters, no conflicts (2 of 4 stars). 3 submissions from 3 submitters: Uncertain significance (3). Last evaluated 2026-01-22.

Conditions:
GUCY2C-related disorder. Also called: GUCY2C-related condition.
Inborn genetic diseases. Identifiers: MedGen C0950123, MeSH D030342.

Allele frequency attached by ClinVar (database versions not stated): ExAC 0.00002; gnomAD 0.00002; gnomAD exomes 0.00003; TOPMed 0.00005.
gnomAD v4.1: 51 of 1,610,560 alleles (0.0032%); highest among the groups gnomAD compares: Middle Eastern, 0.099%; 1 homozygote.

Submissions (3):

PreventionGenetics, part of Exact Sciences
Classification: Uncertain significance for GUCY2C-related condition. Last evaluated: 2026-01-22. Review status: criteria provided, single submitter. Criteria: ACMG Guidelines, 2015. Collection method: clinical testing. Allele origin: germline.
Comment: The GUCY2C c.637G>A variant is predicted to result in the amino acid substitution p.Val213Ile. To our knowledge, this variant has not been reported in the literature. This variant is reported in 0.0054% of alleles in individuals of East Asian descent in gnomAD. At this time, the clinical significance of this variant is uncertain due to the absence of conclusive functional and genetic evidence.

Labcorp Genetics (formerly Invitae), Labcorp
Classification: Uncertain significance. Last evaluated: 2025-03-01. Review status: criteria provided, single submitter. Criteria: Invitae Variant Classification Sherloc (09022015). Collection method: clinical testing. Allele origin: germline.
Comment: This sequence change replaces valine, which is neutral and non-polar, with isoleucine, which is neutral and non-polar, at codon 213 of the GUCY2C protein (p.Val213Ile). This variant is present in population databases (rs768250094, gnomAD 0.005%). This variant has not been reported in the literature in individuals affected with GUCY2C-related conditions. ClinVar contains an entry for this variant (Variation ID: 1967622). Invitae Evidence Modeling of protein sequence and biophysical properties (such as structural, functional, and spatial information, amino acid conservation, physicochemical variation, residue mobility, and thermodynamic stability) indicates that this missense variant is not expected to disrupt GUCY2C protein function with a negative predictive value of 80%. In summary, the available evidence is currently insufficient to determine the role of this variant in disease. Therefore, it has been classified as a Variant of Uncertain Significance.

Ambry Genetics
Classification: Uncertain significance for Inborn genetic diseases. Last evaluated: 2024-03-20. Review status: criteria provided, single submitter. Criteria: Ambry Variant Classification Scheme 2023. Collection method: clinical testing. Allele origin: germline.